The following is an entry in ClinVar:

ClinVar aggregate classification (germline): Uncertain significance (1 of 4 stars; one submission).

Conditions:
MHC class I deficiency. Identifiers: Orphanet 34592, MedGen C6024714, MONDO:0011476.

Allele frequency attached by ClinVar (database versions not stated): gnomAD exomes below 0.00001; TOPMed below 0.00001.
gnomAD v4.1: 1 of 1,614,258 alleles (0.000062%); highest among the groups gnomAD compares: Non-Finnish European, 0.000085%; no homozygotes.

Submission:

Labcorp Genetics (formerly Invitae), Labcorp
Classification: Uncertain significance for MHC class I deficiency 1. Last evaluated: 2022-03-23. Review status: criteria provided, single submitter. Criteria: Invitae Variant Classification Sherloc (09022015). Collection method: clinical testing. Allele origin: germline.
Comment: In summary, the available evidence is currently insufficient to determine the role of this variant in disease. Therefore, it has been classified as a Variant of Uncertain Significance. Algorithms developed to predict the effect of missense changes on protein structure and function are either unavailable or do not agree on the potential impact of this missense change (SIFT: "Deleterious"; PolyPhen-2: "Possibly Damaging"; Align-GVGD: "Class C0"). This variant has not been reported in the literature in individuals affected with TAP1-related conditions. This variant is not present in population databases (gnomAD no frequency). This sequence change replaces serine, which is neutral and polar, with threonine, which is neutral and polar, at codon 439 of the TAP1 protein (p.Ser439Thr).

NM_000593.6(TAP1):c.1136G>C (p.Ser379Thr)

Gene: TAP1 (transporter 1, ATP binding cassette subfamily B member; minus strand). Cytogenetic location: 6p21.32.
Variant type: single nucleotide variant.
Coding change: c.1136G>C on transcript NM_000593.6 (MANE Select); coding-DNA position 1136, G replaced by C.
Protein change: p.Ser379Thr; replaces serine 379 with threonine.
Molecular consequence: missense variant.
Genome position (GRCh38, 1-based): chr6:32,850,432, C>G on the plus strand (G>C on the coding strand, the complement: TAP1 is on the minus strand). VCF-style: chr6-32850432-C-G. GRCh37 (hg19) VCF-style: chr6-32818209-C-G.
Other names: c.533G>C, p.Ser178Thr (NM_001292022.2); short protein forms S379T, S178T.
Identifiers: ClinVar variation 2154471 (VCV002154471.4), dbSNP rs1450493811, ClinGen allele CA363592660.